The following is an entry in ClinVar:

ClinVar aggregate classification (germline): Uncertain significance (1 of 4 stars; one submission).

Conditions:
Inborn genetic diseases. Identifiers: MedGen C0950123, MeSH D030342.

Submission:

Ambry Genetics
Classification: Uncertain significance for Inborn genetic diseases. Last evaluated: 2026-05-24. Review status: criteria provided, single submitter. Criteria: Ambry Variant Classification Scheme 2023. Collection method: clinical testing. Allele origin: germline.
Comment: The p.N114Y variant (also known as c.340A>T), located in coding exon 2 of the GATA2 gene, results from an A to T substitution at nucleotide position 340. The asparagine at codon 114 is replaced by tyrosine, an amino acid with dissimilar properties. This amino acid position is conserved. In addition, the in silico prediction for this alteration is inconclusive. Based on the available evidence, the clinical significance of this variant remains unclear.

NM_032638.5(GATA2):c.340A>T (p.Asn114Tyr)

Gene: GATA2 (GATA binding protein 2; minus strand). Cytogenetic location: 3q21.3.
Variant type: single nucleotide variant.
Coding change: c.340A>T on transcript NM_032638.5 (MANE Select); coding-DNA position 340, A replaced by T.
Protein change: p.Asn114Tyr; replaces asparagine 114 with tyrosine.
Molecular consequence: missense variant.
Genome position (GRCh38, 1-based): chr3:128,486,258, T>A on the plus strand (A>T on the coding strand, the complement: GATA2 is on the minus strand). VCF-style: chr3-128486258-T-A. GRCh37 (hg19) VCF-style: chr3-128205101-T-A.
Other names: c.340A>T, p.Asn114Tyr (NM_001145661.2, NM_001145662.1); short protein forms N114Y.
Identifiers: ClinVar variation 4857876 (VCV004857876.1).